The following is an entry in ClinVar:

ClinVar aggregate classification (germline): Uncertain significance (1 of 4 stars; one submission).

Conditions:
Early-infantile DEE. Also called: Early infantile epileptic encephalopathy with suppression bursts; Early infantile epileptic encephalopathy; Ohtahara syndrome. Identifiers: Orphanet 1934, MedGen C0393706, MONDO:0800491.

Allele frequency attached by ClinVar (database versions not stated): gnomAD exomes below 0.00001; TOPMed below 0.00001.

Submission:

Labcorp Genetics (formerly Invitae), Labcorp
Classification: Uncertain significance for Early-infantile DEE. Last evaluated: 2023-03-02. Review status: criteria provided, single submitter. Criteria: Invitae Variant Classification Sherloc (09022015). Collection method: clinical testing. Allele origin: germline.
Comment: This variant has not been reported in the literature in individuals affected with ARHGEF15-related conditions. In summary, the available evidence is currently insufficient to determine the role of this variant in disease. Therefore, it has been classified as a Variant of Uncertain Significance. An algorithm developed to predict the effect of missense changes on protein structure and function (PolyPhen-2) suggests that this variant is likely to be disruptive. This variant is present in population databases (no rsID available, gnomAD 0.0009%). This sequence change replaces valine, which is neutral and non-polar, with methionine, which is neutral and non-polar, at codon 602 of the ARHGEF15 protein (p.Val602Met).

NM_173728.4(ARHGEF15):c.1804G>A (p.Val602Met)

Gene: ARHGEF15 (Rho guanine nucleotide exchange factor 15; plus strand). Cytogenetic location: 17p13.1.
Variant type: single nucleotide variant.
Coding change: c.1804G>A on transcript NM_173728.4 (MANE Select); coding-DNA position 1804, G replaced by A.
Protein change: p.Val602Met; replaces valine 602 with methionine.
Molecular consequence: missense variant.
Genome position (GRCh38, 1-based): chr17:8,318,594, G>A. VCF-style: chr17-8318594-G-A. GRCh37 (hg19) VCF-style: chr17-8221912-G-A.
Other names: c.1804G>A, p.Val602Met (NM_025014.2); short protein forms V602M.
Identifiers: ClinVar variation 2955823 (VCV002955823.3), dbSNP rs1384938083, ClinGen allele CA398023002.
Genomic context (GRCh38, chr17:8,318,594, plus strand): 5'-GGCCGCTGGGGTGGTGACACAGCTCCCCTTACCTAGATCATCGAGCGTTGCAGCGCTGAG[G>A]TGGGGCGCATGAAGCAGACTGAAGAGCTGATCCGGCTCACCCAAAGGCTGCGCTTCCACA-3'
Protein context (NP_776089.2, residues 592-612): SKIIERCSAE[Val602Met]GRMKQTEELI